The following is an entry in ClinVar:

ClinVar aggregate classification (germline): Uncertain significance (1 of 4 stars; one submission).

Conditions:
Dilated cardiomyopathy 1G (CMD1G). Identifiers: Orphanet 154, MedGen C1858763, MONDO:0011400, OMIM 604145.
Autosomal recessive limb-girdle muscular dystrophy type 2J (LGMDR10). Also called: Limb-girdle muscular dystrophy, type 2J; MUSCULAR DYSTROPHY, LIMB-GIRDLE, AUTOSOMAL RECESSIVE 10. Identifiers: Orphanet 140922, MedGen C1837342, MONDO:0012127, OMIM 608807.

gnomAD v4.1: 3 of 1,613,992 alleles (0.00019%); highest among the groups gnomAD compares: Non-Finnish European, 0.00025%; no homozygotes.

Submission:

Labcorp Genetics (formerly Invitae), Labcorp
Classification: Uncertain significance for Dilated cardiomyopathy 1G; Autosomal recessive limb-girdle muscular dystrophy type 2J. Last evaluated: 2019-06-07. Review status: criteria provided, single submitter. Criteria: Invitae Variant Classification Sherloc (09022015). Collection method: clinical testing. Allele origin: germline.
Comment: In summary, the available evidence is currently insufficient to determine the role of this variant in disease. Therefore, it has been classified as a Variant of Uncertain Significance. Algorithms developed to predict the effect of missense changes on protein structure and function are unavailable for the TTN gene. This variant is located in the M band of TTN (PMID: 25589632). Variants in this region may be relevant for neuromuscular disorders, but have not been definitively shown to cause cardiomyopathy (PMID: 23975875). This variant has not been reported in the literature in individuals with TTN-related disease. This variant is not present in population databases (ExAC no frequency). This sequence change replaces valine with leucine at codon 34271 of the TTN protein (p.Val34271Leu). There is a small physicochemical difference between valine and leucine.

Literature cited by the submitters: PubMed 25589632; PubMed 23975875.

NM_001267550.2(TTN):c.102811G>T (p.Val34271Leu)

Genes: TTN-AS1 (TTN antisense RNA 1; plus strand), TTN (titin; minus strand). Cytogenetic location: 2q31.2.
Variant type: single nucleotide variant.
Coding change: c.102811G>T on transcript NM_001267550.2 (MANE Select); coding-DNA position 102811, G replaced by T.
Protein change: p.Val34271Leu; replaces valine 34271 with leucine.
Molecular consequence: missense variant.
Genome position (GRCh38, 1-based): chr2:178,533,804, C>A on the plus strand (G>T on the coding strand, the complement: TTN is on the minus strand). VCF-style: chr2-178533804-C-A. GRCh37 (hg19) VCF-style: chr2-179398531-C-A.
Other names: c.97888G>T, p.Val32630Leu (NM_001256850.1); c.75616G>T, p.Val25206Leu (NM_003319.4); c.95107G>T, p.Val31703Leu (NM_133378.4); c.75991G>T, p.Val25331Leu (NM_133432.3); c.76192G>T, p.Val25398Leu (NM_133437.4); short protein forms V25398L, V31703L, V34271L, V25206L, V32630L, V25331L.
Identifiers: ClinVar variation 642960 (VCV000642960.9), dbSNP rs794727542, ClinGen allele CA349416627.